The following is an entry in ClinVar:

NM_144596.4(TTC8):c.100T>A (p.Ser34Thr)

Gene: TTC8 (tetratricopeptide repeat domain 8; plus strand). Cytogenetic location: 14q31.3.
Variant type: single nucleotide variant.
Coding change: c.100T>A on transcript NM_144596.4 (MANE Select); coding-DNA position 100, T replaced by A.
Protein change: p.Ser34Thr; replaces serine 34 with threonine.
Molecular consequence: missense variant. On other transcripts: 5 prime UTR variant (2), non-coding transcript variant (1).
Genome position (GRCh38, 1-based): chr14:88,824,807, T>A. VCF-style: chr14-88824807-T-A. GRCh37 (hg19) VCF-style: chr14-89291151-T-A.
Other names: c.100T>A, p.Ser34Thr (NM_001288781.1, NM_001366535.2, NM_001366536.2 and 2 more transcripts); c.-463T>A (NM_001288782.1); c.-558T>A (NM_001288783.1); short protein forms S34T.
Identifiers: ClinVar variation 4992188 (VCV004992188.1).

ClinVar aggregate classification (germline): Uncertain significance (1 of 4 stars; one submission).

Conditions:
TTC8-related disorder. Also called: TTC8-related condition.

gnomAD v4.1: 6 of 1,613,198 alleles (0.00037%); highest among the groups gnomAD compares: East Asian, 0.0045%; no homozygotes.

Submission:

PreventionGenetics, part of Exact Sciences
Classification: Uncertain significance for TTC8-related condition. Last evaluated: 2026-07-24. Review status: criteria provided, single submitter. Criteria: ACMG Guidelines, 2015. Collection method: clinical testing. Allele origin: germline.
Comment: The TTC8 c.100T>A variant is predicted to result in the amino acid substitution p.Ser34Thr. To our knowledge, this variant has not been reported in the literature or in a large population database (gnomAD), indicating this variant is rare. At this time, the clinical significance of this variant is uncertain due to the absence of conclusive functional and genetic evidence.